The following is an entry in ClinVar:

NM_002661.5(PLCG2):c.3314-23C>A

Gene: PLCG2 (phospholipase C gamma 2; plus strand). Cytogenetic location: 16q23.3.
Variant type: single nucleotide variant.
Coding change: c.3314-23C>A on transcript NM_002661.5 (MANE Select); 23 bases into the intron before coding-DNA position 3314, C replaced by A.
Molecular consequence: intron variant.
Genome position (GRCh38, 1-based): chr16:81,939,869, C>A. VCF-style: chr16-81939869-C-A. GRCh37 (hg19) VCF-style: chr16-81973474-C-A.
Identifiers: ClinVar variation 1234594 (VCV001234594.8), dbSNP rs4405546, ClinGen allele CA8194681.

ClinVar aggregate classification (germline): Benign. Review status: criteria provided, multiple submitters, no conflicts (2 of 4 stars). 5 submissions from 4 submitters: Benign (5). Last evaluated 2023-11-02.

Conditions:
Autoinflammation-PLCG2-associated antibody deficiency-immune dysregulation. Also called: Autoinflammation, antibody deficiency, and immune dysregulation, plcg2-associated; AUTOINFLAMMATION, ANTIBODY DEFICIENCY, AND IMMUNE DYSREGULATION; Autoinflammation, antibody deficiency, and immune dysregulation syndrome. Identifiers: Orphanet 324530, MedGen C3553961, MONDO:0013944, OMIM 614878.
Familial cold autoinflammatory syndrome 3 (FCAS3). Also called: FAMILIAL ATYPICAL COLD URTICARIA; ANTIBODY DEFICIENCY AND IMMUNE DYSREGULATION, PLCG2-ASSOCIATED. Identifiers: Orphanet 300359, MedGen C3280914, MONDO:0013766, OMIM 614468.

Allele frequency attached by ClinVar (database versions not stated): TOPMed 0.91379; gnomAD 0.91524 and 0.91592; ESP Exome Variant Server 0.91543; 1000 Genomes Project 30x 0.91880; 1000 Genomes Project 0.92212; ExAC 0.92955; gnomAD exomes 0.93099.
gnomAD v4.1: 1,465,343 of 1,585,906 alleles (92%); highest among the groups gnomAD compares: East Asian, 100%; 677,446 homozygotes.

Submissions (5):

Unidad de Genómica Garrahan, Hospital de Pediatría Garrahan
Classification: Benign. Last evaluated: 2023-11-02. Review status: criteria provided, single submitter. Criteria: ACMG Guidelines, 2015. Collection method: clinical testing. Allele origin: germline. Affected: no. Observed: 96 variant alleles.
Comment: This variant is classified as Benign based on local population frequency. This variant was detected in 100% of patients studied by a panel of primary immunodeficiencies. Number of patients: 96. Only high quality variants are reported.

Genome-Nilou Lab
Classification: Benign for Autoinflammation-PLCG2-associated antibody deficiency-immune dysregulation. Last evaluated: 2021-10-25. Review status: criteria provided, single submitter. Criteria: ACMG Guidelines, 2015. Collection method: clinical testing. Allele origin: germline. Affected: no.

Genome-Nilou Lab
Classification: Benign for Familial cold autoinflammatory syndrome 3. Last evaluated: 2021-10-25. Review status: criteria provided, single submitter. Criteria: ACMG Guidelines, 2015. Collection method: clinical testing. Allele origin: germline. Affected: no.

GeneDx
Classification: Benign. Last evaluated: 2021-05-14. Review status: criteria provided, single submitter. Criteria: GeneDx Variant Classification Process June 2021. Collection method: clinical testing. Allele origin: germline. Affected: yes.

Breakthrough Genomics
Classification: Benign. Review status: criteria provided, single submitter. Criteria: ACMG Guidelines, 2015. Collection method: not provided. Allele origin: germline. Inheritance: Autosomal dominant inheritance. Affected: yes.